The following is an entry in ClinVar:

ClinVar aggregate classification (germline): Conflicting classifications of pathogenicity. Review status: criteria provided, conflicting classifications (1 of 4 stars). 4 submissions from 4 submitters: Likely pathogenic (1); Uncertain significance (2). 1 of the submissions does not count toward it. Last evaluated 2026-07-19.

Conditions:
Cardiovascular phenotype. Identifiers: MedGen CN230736.
Noonan syndrome (NS). Also called: Noonan's syndrome. Identifiers: Orphanet 648, MedGen C0028326, MeSH D009634, MONDO:0018997. Disease mechanism: gain of function.

Allele frequency attached by ClinVar (database versions not stated): gnomAD exomes below 0.00001; ExAC 0.00001; gnomAD 0.00001.

Submissions (4):

Ambry Genetics
Classification: Uncertain significance for Cardiovascular phenotype. Last evaluated: 2026-07-19. Review status: criteria provided, single submitter. Criteria: Ambry Variant Classification Scheme 2023. Collection method: clinical testing. Allele origin: germline.
Comment: The p.M182V variant (also known as c.544A>G), located in coding exon 5 of the PPP1CB gene, results from an A to G substitution at nucleotide position 544. The methionine at codon 182 is replaced by valine, an amino acid with highly similar properties. This amino acid position is conserved. In addition, this alteration is predicted to be tolerated by in silico analysis. Based on the available evidence, the clinical significance of this variant remains unclear.

GeneDx
Classification: Likely pathogenic. Last evaluated: 2025-06-30. Review status: criteria provided, single submitter. Criteria: GeneDx Variant Classification Process June 2021. Collection method: clinical testing. Allele origin: germline. Affected: yes.
Comment: In silico analysis suggests that this missense variant does not alter protein structure/function; Has not been previously published as pathogenic or benign to our knowledge

Labcorp Genetics (formerly Invitae), Labcorp
Classification: Uncertain significance. Last evaluated: 2023-02-03. Review status: criteria provided, single submitter. Criteria: Invitae Variant Classification Sherloc (09022015). Collection method: clinical testing. Allele origin: germline.
Comment: This sequence change replaces methionine, which is neutral and non-polar, with valine, which is neutral and non-polar, at codon 182 of the PPP1CB protein (p.Met182Val). This variant is present in population databases (rs768286092, gnomAD 0.007%). This variant has not been reported in the literature in individuals affected with PPP1CB-related conditions. ClinVar contains an entry for this variant (Variation ID: 981575). Advanced modeling of protein sequence and biophysical properties (such as structural, functional, and spatial information, amino acid conservation, physicochemical variation, residue mobility, and thermodynamic stability) performed at Invitae indicates that this missense variant is not expected to disrupt PPP1CB protein function. In summary, the available evidence is currently insufficient to determine the role of this variant in disease. Therefore, it has been classified as a Variant of Uncertain Significance.

Service de Génétique Moléculaire, Hôpital Robert Debré
Classification: Likely pathogenic for Noonan syndrome. Review status: no assertion criteria provided. Collection method: clinical testing. Allele origin: unknown. Affected: yes. Not counted in ClinVar's aggregate classification.

NM_002709.3(PPP1CB):c.544A>G (p.Met182Val)

Gene: PPP1CB (protein phosphatase 1 catalytic subunit beta; plus strand). Cytogenetic location: 2p23.2.
Variant type: single nucleotide variant.
Coding change: c.544A>G on transcript NM_002709.3 (MANE Select); coding-DNA position 544, A replaced by G.
Protein change: p.Met182Val; replaces methionine 182 with valine.
Molecular consequence: missense variant.
Genome position (GRCh38, 1-based): chr2:28,783,930, A>G. VCF-style: chr2-28783930-A-G. GRCh37 (hg19) VCF-style: chr2-29006796-A-G.
Other names: c.544A>G, p.Met182Val (NM_206876.2); short protein forms M182V.
Identifiers: ClinVar variation 981575 (VCV000981575.7), dbSNP rs768286092, ClinGen allele CA1589270.